The following is an entry in ClinVar:

ClinVar aggregate classification (germline): Benign (0 of 4 stars; one submission).

Conditions:
CGNL1-related disorder. Also called: CGNL1-related condition.

Allele frequency attached by ClinVar (database versions not stated): 1000 Genomes Project 30x 0.99360; gnomAD 0.99588; ExAC 0.99857; gnomAD exomes 0.99964; ESP Exome Variant Server 0.99368; 1000 Genomes Project 0.99461; TOPMed 0.99548.
gnomAD v4.1: 1,613,039 of 1,614,200 alleles (100%); highest among the groups gnomAD compares: East Asian, 100%; 805,947 homozygotes.

Submission:

PreventionGenetics, part of Exact Sciences
Classification: Benign for CGNL1-related condition. Last evaluated: 2020-11-03. Review status: no assertion criteria provided. Collection method: clinical testing. Allele origin: germline.
Comment: This variant is classified as benign based on ACMG/AMP sequence variant interpretation guidelines (Richards et al. 2015 PMID: 25741868, with internal and published modifications).

NM_032866.5(CGNL1):c.1138A>C (p.Thr380Pro)

Gene: CGNL1 (cingulin like 1; plus strand). Cytogenetic location: 15q21.3.
Variant type: single nucleotide variant.
Coding change: c.1138A>C on transcript NM_032866.5 (MANE Select); coding-DNA position 1138, A replaced by C.
Protein change: p.Thr380Pro; replaces threonine 380 with proline.
Molecular consequence: missense variant.
Genome position (GRCh38, 1-based): chr15:57,439,137, A>C. VCF-style: chr15-57439137-A-C. GRCh37 (hg19) VCF-style: chr15-57731335-A-C.
Other names: c.1138A>C, p.Thr380Pro (NM_001252335.2); short protein forms T380P.
Identifiers: ClinVar variation 3060718 (VCV003060718.2), dbSNP rs1280395, ClinGen allele CA7581710.
Genomic context (GRCh38, chr15:57,439,137, plus strand): 5'-TTTGATCAAAAACCTGGGCTTCAGAGAAGAGGAAGGTCTGGGAAGCGAAACAGAATTAAT[A>C]CAGATGACAGGAAAAGATCCAGAAGCGTGGATAGCGCCTTTCCTTTTGGCCTCCAAGGGA-3'
Protein context (NP_116255.2, residues 370-390): GRSGKRNRIN[Thr380Pro]DDRKRSRSVD